The following is an entry in ClinVar:

ClinVar aggregate classification (germline): Uncertain significance (1 of 4 stars; one submission).

Conditions:
Familial thoracic aortic aneurysm and aortic dissection (TAAD). Also called: Thoracic aortic aneurysms and dissections. Identifiers: Orphanet 91387, MedGen C4707243, MONDO:0019625.

Allele frequency attached by ClinVar (database versions not stated): gnomAD exomes below 0.00001.
gnomAD v4.1: 2 of 1,614,078 alleles (0.00012%); highest among the groups gnomAD compares: Non-Finnish European, 0.000085%; no homozygotes.

Submission:

Ambry Genetics
Classification: Uncertain significance for Familial thoracic aortic aneurysm and aortic dissection. Last evaluated: 2022-06-02. Review status: criteria provided, single submitter. Criteria: Ambry Variant Classification Scheme 2023. Collection method: clinical testing. Allele origin: germline.
Comment: The p.I1236N variant (also known as c.3707T>A), located in coding exon 51 of the COL5A2 gene, results from a T to A substitution at nucleotide position 3707. The isoleucine at codon 1236 is replaced by asparagine, an amino acid with dissimilar properties. This amino acid position is not well conserved in available vertebrate species. In addition, the in silico prediction for this alteration is inconclusive. Since supporting evidence is limited at this time, the clinical significance of this alteration remains unclear.

NM_000393.5(COL5A2):c.3707T>A (p.Ile1236Asn)

Gene: COL5A2 (collagen type V alpha 2 chain; minus strand). Cytogenetic location: 2q32.2.
Variant type: single nucleotide variant.
Coding change: c.3707T>A on transcript NM_000393.5 (MANE Select); coding-DNA position 3707, T replaced by A.
Protein change: p.Ile1236Asn; replaces isoleucine 1236 with asparagine.
Molecular consequence: missense variant.
Genome position (GRCh38, 1-based): chr2:189,039,490, A>T on the plus strand (T>A on the coding strand, the complement: COL5A2 is on the minus strand). VCF-style: chr2-189039490-A-T. GRCh37 (hg19) VCF-style: chr2-189904216-A-T.
Other names: short protein forms I1236N.
Identifiers: ClinVar variation 1734147 (VCV001734147.2), dbSNP rs954310145, ClinGen allele CA62585301.